The following is an entry in ClinVar:

NM_003000.3(SDHB):c.328A>G (p.Thr110Ala)

Gene: SDHB (succinate dehydrogenase complex iron sulfur subunit B; minus strand). Cytogenetic location: 1p36.13.
Variant type: single nucleotide variant.
Coding change: c.328A>G on transcript NM_003000.3 (MANE Select); coding-DNA position 328, A replaced by G.
Protein change: p.Thr110Ala; replaces threonine 110 with alanine.
Molecular consequence: missense variant.
Genome position (GRCh38, 1-based): chr1:17,028,695, T>C on the plus strand (A>G on the coding strand, the complement: SDHB is on the minus strand). VCF-style: chr1-17028695-T-C. GRCh37 (hg19) VCF-style: chr1-17355190-T-C.
Other names: c.328A>G, p.Thr110Ala (NM_001407361.1); short protein forms T110A.
Identifiers: ClinVar variation 5029271 (VCV005029271.1).
Genomic context (GRCh38, chr1:17,028,695, plus strand): 5'-GAGGGTAGATTTTTGAGACCTTATTGAGGTTGGTGTCAATCCTTCGGGTGCAAGCTAGAG[T>C]GTTGCCTCCATTGATGTTCATTGCACAAGAGCCACAGATGCCTGAAAGAGACACACATTT-3'
Protein context (NP_002991.2, residues 100-120): SCAMNINGGN[Thr110Ala]LACTRRIDTN

ClinVar aggregate classification (germline): Uncertain significance (1 of 4 stars; one submission).

Conditions:
Hereditary cancer-predisposing syndrome. Also called: Neoplastic Syndromes, Hereditary; Tumor predisposition; Hereditary neoplastic syndrome; Hereditary Cancer Syndrome. Identifiers: Orphanet 140162, MedGen C0027672, MeSH D009386, MONDO:0015356.

Submission:

Ambry Genetics
Classification: Uncertain significance for Hereditary cancer-predisposing syndrome. Last evaluated: 2026-07-06. Review status: criteria provided, single submitter. Criteria: Ambry Variant Classification Scheme 2023. Collection method: clinical testing. Allele origin: germline.
Comment: The p.T110A variant (also known as c.328A>G), located in coding exon 4 of the SDHB gene, results from an A to G substitution at nucleotide position 328. The threonine at codon 110 is replaced by alanine, an amino acid with similar properties. This amino acid position is conserved. In addition, this alteration is predicted to be deleterious by in silico analysis. Based on the available evidence, the clinical significance of this variant remains unclear.